The following is an entry in ClinVar:

ClinVar aggregate classification (germline): Uncertain significance (1 of 4 stars; one submission).

Submission:

Institute for Human Genetics, University Hospital Essen
Classification: Uncertain significance. Last evaluated: 2005-03-05. Review status: criteria provided, single submitter. Criteria: ACMG Guidelines, 2015. Collection method: clinical testing. Allele origin: de novo. Affected: yes.
Comment: PM2_supp, PS2

NR_104076.1(RNVU1-15):n.98dup

Genes: RNVU1-15 (RNA, variant U1 small nuclear 15; plus strand), LOC113939979 (Sharpr-MPRA regulatory region 7263; plus strand). Cytogenetic location: 1q21.1.
Variant type: Duplication.
Molecular consequence: non-coding transcript variant (on NR_104076.1).
Genome position: GRCh38 VCF-style: chr1-144412669-A-AT. GRCh37 (hg19) VCF-style: chr1-148604974-G-GA.
Identifiers: ClinVar variation 3770177 (VCV003770177.1).